The following is an entry in ClinVar:

NM_024312.5(GNPTAB):c.831del (p.Gln278fs)

Gene: GNPTAB (N-acetylglucosamine-1-phosphate transferase subunits alpha and beta; minus strand). Cytogenetic location: 12q23.2.
Variant type: Deletion.
Coding change: c.831del on transcript NM_024312.5 (MANE Select); coding-DNA position 831, one base deleted (T; older notation c.831delT).
Protein change: p.Gln278fs; shifts the reading frame from glutamine 278.
Molecular consequence: frameshift variant.
Genome position (GRCh38, 1-based): chr12:101,771,098, A deleted on the plus strand (T on the coding strand, the reverse complement: GNPTAB is on the minus strand); the first of 4 consecutive A bases (chr12:101,771,098-101,771,101); deleting any one gives the same sequence. VCF-style (leftmost placement, unchanged base first): chr12-101771097-GA-G. GRCh37 (hg19) VCF-style: chr12-102164875-GA-G.
Other names: short protein forms Q278fs.
Identifiers: ClinVar variation 2137401 (VCV002137401.4), dbSNP rs2547961931, ClinGen allele CA2580085729.
Genomic context (GRCh38, chr12:101,771,097, plus strand): 5'-TTATGGTCAGTTCTTTTCCATCAATGGTCATGTTCTTCTTAGTTTGCTTATTCAATTCTT[GA>G]AAATCCTTGGGGTTATTCAGTTTTAGAAGCGCTACACTGGCCTCTGAATACAACTGCAAC-3'

ClinVar aggregate classification (germline): Pathogenic (1 of 4 stars; one submission).

Conditions:
Mucolipidosis type II. Also called: Mucolipidosis 2; ML 2; Inclusion cell disease; Leroy Disease; N-acetylglucosamine 1phosphotransferase deficiency; ML disorder type 2. Identifiers: Orphanet 576, MedGen C2673377, MONDO:0009650, OMIM 252500.
Pseudo-Hurler polydystrophy. Also called: ML IIIA; Mucolipidosis III Alpha/Beta; MUCOLIPIDOSIS IIIA; ML III; ML III ALPHA/BETA; Type III Mucolipidosis. Identifiers: Orphanet 423461, Orphanet 577, MedGen C0033788, MONDO:0018931, OMIM 252600.

Submission:

Labcorp Genetics (formerly Invitae), Labcorp
Classification: Pathogenic for Pseudo-Hurler polydystrophy; Mucolipidosis type II. Last evaluated: 2022-04-10. Review status: criteria provided, single submitter. Criteria: Invitae Variant Classification Sherloc (09022015). Collection method: clinical testing. Allele origin: germline.
Comment: This sequence change creates a premature translational stop signal (p.Gln278Lysfs*3) in the GNPTAB gene. It is expected to result in an absent or disrupted protein product. Loss-of-function variants in GNPTAB are known to be pathogenic (PMID: 19617216, 25107912). This variant is not present in population databases (gnomAD no frequency). This premature translational stop signal has been observed in individual(s) with mucolipidosis II alpha/beta (PMID: 28918368). For these reasons, this variant has been classified as Pathogenic.

Literature cited by the submitters: PubMed 19617216; PubMed 25107912; PubMed 28918368.